The following is an entry in ClinVar:

ClinVar aggregate classification (germline): Likely benign. Review status: criteria provided, multiple submitters, no conflicts (2 of 4 stars). 5 submissions from 5 submitters: Likely benign (5). Last evaluated 2025-03-17.

Conditions:
MYH14-related disorder. Also called: MYH14-related condition.

Allele frequency attached by ClinVar (database versions not stated): gnomAD 0.00002; gnomAD exomes 0.00002 and 0.00013; TOPMed 0.00013; ExAC 0.00019.
gnomAD v4.1: 36 of 1,594,656 alleles (0.0023%); highest among the groups gnomAD compares: Admixed American, 0.06%; no homozygotes.

Submissions (5):

PreventionGenetics, part of Exact Sciences
Classification: Likely benign for MYH14-related condition. Last evaluated: 2025-03-17. Review status: criteria provided, single submitter. Criteria: ACMG Guidelines, 2015. Collection method: clinical testing. Allele origin: germline.
Comment: This variant is classified as likely benign based on ACMG/AMP sequence variant interpretation guidelines (Richards et al. 2015 PMID: 25741868, with internal and published modifications).

Labcorp Genetics (formerly Invitae), Labcorp
Classification: Likely benign. Last evaluated: 2024-11-11. Review status: criteria provided, single submitter. Criteria: Invitae Variant Classification Sherloc (09022015). Collection method: clinical testing. Allele origin: germline.

Blueprint Genetics
Classification: Likely benign. Last evaluated: 2021-07-23. Review status: criteria provided, single submitter. Criteria: ACMG Guidelines, 2015. Collection method: clinical testing. Allele origin: germline.

GeneDx
Classification: Likely benign. Last evaluated: 2021-05-17. Review status: criteria provided, single submitter. Criteria: GeneDx Variant Classification Process June 2021. Collection method: clinical testing. Allele origin: germline. Affected: yes.
Comment: In silico analysis supports that this missense variant does not alter protein structure/function; Has not been previously published as pathogenic or benign to our knowledge

Laboratory for Molecular Medicine, Mass General Brigham Personalized Medicine
Classification: Likely benign. Last evaluated: 2016-10-09. Review status: criteria provided, single submitter. Criteria: LMM Criteria. Collection method: clinical testing. Allele origin: germline. Observed: 1 variant allele.
Comment: p.Ser1736Asn in exon 37 of MYH14: This variant is not expected to have clinical significance because it has been identified in 0.3% (10/3348) of Latino chromos omes by the Exome Aggregation Consortium (ExAC; dbSNP rs776401666). In addition, 8 mammals have an asparagine (Asn) at this posi tion despite high nearby amino acid conservation.

NM_001145809.2(MYH14):c.5207G>A (p.Ser1736Asn)

Gene: MYH14 (myosin heavy chain 14; plus strand). Cytogenetic location: 19q13.33.
Variant type: single nucleotide variant.
Coding change: c.5207G>A on transcript NM_001145809.2 (MANE Select); coding-DNA position 5207, G replaced by A.
Protein change: p.Ser1736Asn; replaces serine 1736 with asparagine.
Molecular consequence: missense variant.
Genome position (GRCh38, 1-based): chr19:50,292,340, G>A. VCF-style: chr19-50292340-G-A. GRCh37 (hg19) VCF-style: chr19-50795597-G-A.
Other names: c.5108G>A, p.Ser1703Asn (NM_001077186.2); c.5084G>A, p.Ser1695Asn (NM_024729.4); short protein forms S1736N, S1695N, S1703N.
Identifiers: ClinVar variation 505292 (VCV000505292.16), dbSNP rs776401666, ClinGen allele CA9593718.
Genomic context (GRCh38, chr19:50,292,340, plus strand): 5'-GGCGGGAGGTGGAGGAGACACGCACCTCCCGGGAGGAGATCTTCTCCCAGAATCGGGAAA[G>A]TGAAAAGCGCCTCAAGGGCCTGGAGGCTGAGGTGCTGCGGCTGCAGGAGGTGAGGCTGGG-3'
Protein context (NP_001139281.1, residues 1726-1746): REEIFSQNRE[Ser1736Asn]EKRLKGLEAE